The following is an entry in ClinVar:

NM_014795.4(ZEB2):c.2592del (p.Phe864fs)

Gene: ZEB2 (zinc finger E-box binding homeobox 2; minus strand). Cytogenetic location: 2q22.3.
Variant type: Deletion.
Coding change: c.2592del on transcript NM_014795.4 (MANE Select); coding-DNA position 2592, one base deleted (T; older notation c.2592delT).
Protein change: p.Phe864fs; shifts the reading frame from phenylalanine 864.
Molecular consequence: frameshift variant.
Genome position (GRCh38, 1-based): chr2:144,398,595, A deleted on the plus strand (T on the coding strand, the reverse complement: ZEB2 is on the minus strand); the first of 4 consecutive A bases (chr2:144,398,595-144,398,598); deleting any one gives the same sequence. VCF-style (leftmost placement, unchanged base first): chr2-144398594-TA-T. GRCh37 (hg19) VCF-style: chr2-145156161-TA-T.
Other names: c.2520del, p.Phe840fs (NM_001171653.2); short protein forms F840fs, F864fs.
Identifiers: ClinVar variation 1071230 (VCV001071230.7), dbSNP rs2149876500, ClinGen allele CA2499214971.

ClinVar aggregate classification (germline): Pathogenic (1 of 4 stars; one submission).

Conditions:
Mowat-Wilson syndrome (MOWS). Also called: Classic Mowat-Wilson Syndrome. Identifiers: Orphanet 2152, MedGen C1856113, MONDO:0009341, OMIM 235730.

Submission:

Labcorp Genetics (formerly Invitae), Labcorp
Classification: Pathogenic for Mowat-Wilson syndrome. Last evaluated: 2020-03-26. Review status: criteria provided, single submitter. Criteria: Invitae Variant Classification Sherloc (09022015). Collection method: clinical testing. Allele origin: germline.
Comment: For these reasons, this variant has been classified as Pathogenic. Loss-of-function variants in ZEB2 are known to be pathogenic (PMID: 16053902). This variant has not been reported in the literature in individuals with ZEB2-related conditions. This variant is not present in population databases (ExAC no frequency). This sequence change creates a premature translational stop signal (p.Phe864Leufs*23) in the ZEB2 gene. It is expected to result in an absent or disrupted protein product.

Literature cited by the submitters: PubMed 16053902.